The following is an entry in ClinVar:

ClinVar aggregate classification (germline): Uncertain significance. Review status: criteria provided, multiple submitters, no conflicts (2 of 4 stars). 2 submissions from 2 submitters: Uncertain significance (2). Last evaluated 2025-01-11.

Conditions:
Hereditary cancer-predisposing syndrome. Also called: Tumor predisposition; Hereditary Cancer Syndrome; Hereditary neoplastic syndrome; Neoplastic Syndromes, Hereditary. Identifiers: Orphanet 140162, MedGen C0027672, MeSH D009386, MONDO:0015356.
Medulloblastoma (MDB). Also called: MEDULLOBLASTOMA PREDISPOSITION SYNDROME; Medulloblastoma, somatic. Identifiers: Orphanet 616, MedGen C0025149, MeSH D008527, MONDO:0007959, OMIM 155255, HP:0002885.
Gorlin syndrome. Also called: Nevoid Basal Cell Carcinoma Syndrome; Basal cell nevus syndrome. Identifiers: Orphanet 377, MedGen C0004779, MONDO:0007187.

Submissions (2):

Ambry Genetics
Classification: Uncertain significance for Hereditary cancer-predisposing syndrome. Last evaluated: 2025-01-11. Review status: criteria provided, single submitter. Criteria: Ambry Variant Classification Scheme 2023. Collection method: clinical testing. Allele origin: germline.
Comment: The p.H105Y variant (also known as c.313C>T), located in coding exon 2 of the SUFU gene, results from a C to T substitution at nucleotide position 313. The histidine at codon 105 is replaced by tyrosine, an amino acid with similar properties. This amino acid position is conserved. In addition, this alteration is predicted to be deleterious by in silico analysis. Based on the available evidence, the clinical significance of this variant remains unclear.

Labcorp Genetics (formerly Invitae), Labcorp
Classification: Uncertain significance for Gorlin syndrome; Medulloblastoma. Last evaluated: 2024-10-19. Review status: criteria provided, single submitter. Criteria: Invitae Variant Classification Sherloc (09022015). Collection method: clinical testing. Allele origin: germline.
Comment: This sequence change replaces histidine, which is basic and polar, with tyrosine, which is neutral and polar, at codon 105 of the SUFU protein (p.His105Tyr). This variant is not present in population databases (gnomAD no frequency). This variant has not been reported in the literature in individuals affected with SUFU-related conditions. Invitae Evidence Modeling of protein sequence and biophysical properties (such as structural, functional, and spatial information, amino acid conservation, physicochemical variation, residue mobility, and thermodynamic stability) has been performed for this missense variant. However, the output from this modeling did not meet the statistical confidence thresholds required to predict the impact of this variant on SUFU protein function. In summary, the available evidence is currently insufficient to determine the role of this variant in disease. Therefore, it has been classified as a Variant of Uncertain Significance.

NM_016169.4(SUFU):c.313C>T (p.His105Tyr)

Gene: SUFU (SUFU negative regulator of hedgehog signaling; plus strand). Cytogenetic location: 10q24.32.
Variant type: single nucleotide variant.
Coding change: c.313C>T on transcript NM_016169.4 (MANE Select); coding-DNA position 313, C replaced by T.
Protein change: p.His105Tyr; replaces histidine 105 with tyrosine.
Molecular consequence: missense variant.
Genome position (GRCh38, 1-based): chr10:102,509,299, C>T. VCF-style: chr10-102509299-C-T. GRCh37 (hg19) VCF-style: chr10-104269056-C-T.
Other names: c.313C>T, p.His105Tyr (NM_001178133.2); short protein forms H105Y.
Identifiers: ClinVar variation 3748394 (VCV003748394.3).
Genomic context (GRCh38, chr10:102,509,299, plus strand): 5'-CCCGAGCACTGGCACTACATCAGCTTCGGCCTGAGTGATCTCTATGGTGACAACAGAGTC[C>T]ATGAGTGAGTATATGCCACCTGTTCTTTATCCAGAGCCTTATTCCTGAGGTCTTCCTGAG-3'
Protein context (NP_057253.2, residues 95-115): LSDLYGDNRV[His105Tyr]EFTGTDGPSG